The following is an entry in ClinVar:

ClinVar aggregate classification (germline): Uncertain significance (1 of 4 stars; one submission).

Allele frequency attached by ClinVar (database versions not stated): gnomAD 0.00001; gnomAD exomes 0.00001.

Submission:

Labcorp Genetics (formerly Invitae), Labcorp
Classification: Uncertain significance. Last evaluated: 2024-08-13. Review status: criteria provided, single submitter. Criteria: Invitae Variant Classification Sherloc (09022015). Collection method: clinical testing. Allele origin: germline.
Comment: This sequence change falls in intron 12 of the SLC34A1 gene. It does not directly change the encoded amino acid sequence of the SLC34A1 protein. It affects a nucleotide within the consensus splice site. This variant is present in population databases (no rsID available, gnomAD 0.01%). This variant has not been reported in the literature in individuals affected with SLC34A1-related conditions. ClinVar contains an entry for this variant (Variation ID: 1405831). Variants that disrupt the consensus splice site are a relatively common cause of aberrant splicing (PMID: 17576681, 9536098). Algorithms developed to predict the effect of sequence changes on RNA splicing suggest that this variant is not likely to affect RNA splicing. In summary, the available evidence is currently insufficient to determine the role of this variant in disease. Therefore, it has been classified as a Variant of Uncertain Significance.

Literature cited by the submitters: PubMed 17576681; PubMed 9536098.

NM_003052.5(SLC34A1):c.1416+6C>T

Gene: SLC34A1 (solute carrier family 34 member 1; plus strand). Cytogenetic location: 5q35.3.
Variant type: single nucleotide variant.
Coding change: c.1416+6C>T on transcript NM_003052.5 (MANE Select); 6 bases into the intron after coding-DNA position 1416, C replaced by T.
Molecular consequence: intron variant.
Genome position (GRCh38, 1-based): chr5:177,397,080, C>T. VCF-style: chr5-177397080-C-T. GRCh37 (hg19) VCF-style: chr5-176824081-C-T.
Identifiers: ClinVar variation 1405831 (VCV001405831.5), dbSNP rs1227406633, ClinGen allele CA564899784.